The following is an entry in ClinVar:

ClinVar aggregate classification (germline): Uncertain significance (1 of 4 stars; one submission).

Allele frequency attached by ClinVar (database versions not stated): gnomAD exomes below 0.00001; gnomAD 0.00001; TOPMed 0.00001; ESP Exome Variant Server 0.00008.
gnomAD v4.1: 3 of 1,613,168 alleles (0.00019%); highest among the groups gnomAD compares: African/African-American, 0.0027%; no homozygotes.

Submission:

Labcorp Genetics (formerly Invitae), Labcorp
Classification: Uncertain significance. Last evaluated: 2022-09-13. Review status: criteria provided, single submitter. Criteria: Invitae Variant Classification Sherloc (09022015). Collection method: clinical testing. Allele origin: germline.
Comment: Advanced modeling of protein sequence and biophysical properties (such as structural, functional, and spatial information, amino acid conservation, physicochemical variation, residue mobility, and thermodynamic stability) performed at Invitae indicates that this missense variant is not expected to disrupt DSG1 protein function. In summary, the available evidence is currently insufficient to determine the role of this variant in disease. Therefore, it has been classified as a Variant of Uncertain Significance. This variant has not been reported in the literature in individuals affected with DSG1-related conditions. This sequence change replaces alanine, which is neutral and non-polar, with threonine, which is neutral and polar, at codon 160 of the DSG1 protein (p.Ala160Thr). This variant is present in population databases (rs374368834, gnomAD 0.0009%).

NM_001942.4(DSG1):c.478G>A (p.Ala160Thr)

Gene: DSG1 (desmoglein 1; plus strand). Cytogenetic location: 18q12.1.
Variant type: single nucleotide variant.
Coding change: c.478G>A on transcript NM_001942.4 (MANE Select); coding-DNA position 478, G replaced by A.
Protein change: p.Ala160Thr; replaces alanine 160 with threonine.
Molecular consequence: missense variant.
Genome position (GRCh38, 1-based): chr18:31,329,997, G>A. VCF-style: chr18-31329997-G-A. GRCh37 (hg19) VCF-style: chr18-28909960-G-A.
Other names: short protein forms A160T.
Identifiers: ClinVar variation 2085395 (VCV002085395.4), dbSNP rs374368834, ClinGen allele CA297691921.